The following is an entry in ClinVar:

NM_001177316.2(SLC34A3):c.967G>A (p.Val323Met)

Gene: SLC34A3 (solute carrier family 34 member 3; plus strand). Cytogenetic location: 9q34.3.
Variant type: single nucleotide variant.
Coding change: c.967G>A on transcript NM_001177316.2 (MANE Select); coding-DNA position 967, G replaced by A.
Protein change: p.Val323Met; replaces valine 323 with methionine.
Molecular consequence: missense variant.
Genome position (GRCh38, 1-based): chr9:137,234,150, G>A. VCF-style: chr9-137234150-G-A. GRCh37 (hg19) VCF-style: chr9-140128602-G-A.
Other names: c.967G>A, p.Val323Met (NM_001177317.2, NM_080877.3); short protein forms V323M.
Identifiers: ClinVar variation 1950327 (VCV001950327.5), dbSNP rs1231144122, ClinGen allele CA375735753.

ClinVar aggregate classification (germline): Uncertain significance (1 of 4 stars; one submission).

Allele frequency attached by ClinVar (database versions not stated): gnomAD 0.00001; gnomAD exomes 0.00002; TOPMed 0.00002.

Submission:

Labcorp Genetics (formerly Invitae), Labcorp
Classification: Uncertain significance. Last evaluated: 2023-12-22. Review status: criteria provided, single submitter. Criteria: Invitae Variant Classification Sherloc (09022015). Collection method: clinical testing. Allele origin: germline.
Comment: This sequence change replaces valine, which is neutral and non-polar, with methionine, which is neutral and non-polar, at codon 323 of the SLC34A3 protein (p.Val323Met). The frequency data for this variant in the population databases is considered unreliable, as metrics indicate poor data quality at this position in the gnomAD database. This variant has not been reported in the literature in individuals affected with SLC34A3-related conditions. Advanced modeling of protein sequence and biophysical properties (such as structural, functional, and spatial information, amino acid conservation, physicochemical variation, residue mobility, and thermodynamic stability) performed at Invitae indicates that this missense variant is not expected to disrupt SLC34A3 protein function with a negative predictive value of 80%. In summary, the available evidence is currently insufficient to determine the role of this variant in disease. Therefore, it has been classified as a Variant of Uncertain Significance.